The following is an entry in ClinVar:

NM_015047.3(EMC1):c.727C>T (p.Arg243Cys)

Genes: EMC1 (ER membrane protein complex subunit 1; minus strand), EMC1-AS1 (EMC1 antisense RNA 1; plus strand). Cytogenetic location: 1p36.13.
Variant type: single nucleotide variant.
Coding change: c.727C>T on transcript NM_015047.3 (MANE Select); coding-DNA position 727, C replaced by T.
Protein change: p.Arg243Cys; replaces arginine 243 with cysteine.
Molecular consequence: missense variant. On other transcripts: non-coding transcript variant (1).
Genome position (GRCh38, 1-based): chr1:19,240,356, G>A on the plus strand (C>T on the coding strand, the complement: EMC1 is on the minus strand). VCF-style: chr1-19240356-G-A. GRCh37 (hg19) VCF-style: chr1-19566850-G-A.
Other names: c.727C>T, p.Arg243Cys (NM_001271427.2, NM_001271428.2, NM_001375820.1 and 1 more transcripts); c.661C>T, p.Arg221Cys (NM_001271429.2); short protein forms R243C, R221C.
Identifiers: ClinVar variation 857252 (VCV000857252.9), dbSNP rs1286304624, ClinGen allele CA338768949.

ClinVar aggregate classification (germline): Uncertain significance (1 of 4 stars; one submission).

Allele frequency attached by ClinVar (database versions not stated): gnomAD exomes below 0.00001; TOPMed below 0.00001; gnomAD 0.00001.

Submission:

Labcorp Genetics (formerly Invitae), Labcorp
Classification: Uncertain significance. Last evaluated: 2024-09-27. Review status: criteria provided, single submitter. Criteria: Invitae Variant Classification Sherloc (09022015). Collection method: clinical testing. Allele origin: germline.
Comment: This sequence change replaces arginine, which is basic and polar, with cysteine, which is neutral and slightly polar, at codon 243 of the EMC1 protein (p.Arg243Cys). This variant is present in population databases (no rsID available, gnomAD 0.003%). This variant has not been reported in the literature in individuals affected with EMC1-related conditions. ClinVar contains an entry for this variant (Variation ID: 857252). Invitae Evidence Modeling of protein sequence and biophysical properties (such as structural, functional, and spatial information, amino acid conservation, physicochemical variation, residue mobility, and thermodynamic stability) indicates that this missense variant is not expected to disrupt EMC1 protein function with a negative predictive value of 80%. In summary, the available evidence is currently insufficient to determine the role of this variant in disease. Therefore, it has been classified as a Variant of Uncertain Significance.